The following is an entry in ClinVar:

NM_003331.5(TYK2):c.2315G>A (p.Arg772Gln)

Gene: TYK2 (tyrosine kinase 2; minus strand). Cytogenetic location: 19p13.2.
Variant type: single nucleotide variant.
Coding change: c.2315G>A on transcript NM_003331.5 (MANE Select); coding-DNA position 2315, G replaced by A.
Protein change: p.Arg772Gln; replaces arginine 772 with glutamine.
Molecular consequence: missense variant.
Genome position (GRCh38, 1-based): chr19:10,357,915, C>T on the plus strand (G>A on the coding strand, the complement: TYK2 is on the minus strand). VCF-style: chr19-10357915-C-T. GRCh37 (hg19) VCF-style: chr19-10468591-C-T.
Other names: c.2315G>A, p.Arg772Gln (NM_001385197.1, NM_001385198.1, NM_001385200.1 and 2 more transcripts); c.2129G>A, p.Arg710Gln (NM_001385199.1); c.2117G>A, p.Arg706Gln (NM_001385201.1); c.2231G>A, p.Arg744Gln (NM_001385202.1); c.2225G>A, p.Arg742Gln (NM_001385205.1); c.2189G>A, p.Arg730Gln (NM_001385206.1); c.2297G>A, p.Arg766Gln (NM_001385207.1); short protein forms R710Q, R742Q, R744Q, R766Q, R706Q, R772Q, R730Q.
Identifiers: ClinVar variation 1364645 (VCV001364645.5), dbSNP rs148823525, ClinGen allele CA9193103.

ClinVar aggregate classification (germline): Uncertain significance (1 of 4 stars; one submission).

Conditions:
Immunodeficiency 35 (IMD35). Also called: HIES WITH ATYPICAL MYCOBACTERIOSIS, AUTOSOMAL RECESSIVE; HYPER-IgE SYNDROME WITH ATYPICAL MYCOBACTERIOSIS, AUTOSOMAL RECESSIVE; Susceptibility to infection due to TYK2 deficiency; TYK2 DEFICIENCY. Identifiers: Orphanet 331226, MedGen C1969086, MONDO:0012682, OMIM 611521.

Allele frequency attached by ClinVar (database versions not stated): gnomAD 0.00002; ExAC 0.00003; gnomAD exomes 0.00006; 1000 Genomes Project 0.00040; 1000 Genomes Project 30x 0.00047.
gnomAD v4.1: 31 of 1,613,544 alleles (0.0019%); highest among the groups gnomAD compares: East Asian, 0.013%; no homozygotes.

Submission:

Labcorp Genetics (formerly Invitae), Labcorp
Classification: Uncertain significance for Immunodeficiency 35. Last evaluated: 2024-09-27. Review status: criteria provided, single submitter. Criteria: Invitae Variant Classification Sherloc (09022015). Collection method: clinical testing. Allele origin: germline.
Comment: This sequence change replaces arginine, which is basic and polar, with glutamine, which is neutral and polar, at codon 772 of the TYK2 protein (p.Arg772Gln). This variant is present in population databases (rs148823525, gnomAD 0.02%). This variant has not been reported in the literature in individuals affected with TYK2-related conditions. ClinVar contains an entry for this variant (Variation ID: 1364645). Invitae Evidence Modeling of protein sequence and biophysical properties (such as structural, functional, and spatial information, amino acid conservation, physicochemical variation, residue mobility, and thermodynamic stability) indicates that this missense variant is not expected to disrupt TYK2 protein function with a negative predictive value of 80%. Algorithms developed to predict the effect of sequence changes on RNA splicing suggest that this variant may create or strengthen a splice site. In summary, the available evidence is currently insufficient to determine the role of this variant in disease. Therefore, it has been classified as a Variant of Uncertain Significance.